The following is an entry in ClinVar:

NM_020911.2(PLXNA4):c.1742C>T (p.Thr581Met)

Gene: PLXNA4 (plexin A4; minus strand). Cytogenetic location: 7q32.3.
Variant type: single nucleotide variant.
Coding change: c.1742C>T on transcript NM_020911.2 (MANE Select); coding-DNA position 1742, C replaced by T.
Protein change: p.Thr581Met; replaces threonine 581 with methionine.
Molecular consequence: missense variant.
Genome position (GRCh38, 1-based): chr7:132,227,591, G>A on the plus strand (C>T on the coding strand, the complement: PLXNA4 is on the minus strand). VCF-style: chr7-132227591-G-A. GRCh37 (hg19) VCF-style: chr7-131912350-G-A.
Other names: c.1742C>T, p.Thr581Met (NM_001393897.1); short protein forms T581M.
Identifiers: ClinVar variation 3054400 (VCV003054400.4), dbSNP rs373660056, ClinGen allele CA4490006.

ClinVar aggregate classification (germline): Uncertain significance. Review status: criteria provided, multiple submitters, no conflicts (2 of 4 stars). 2 submissions from 2 submitters: Uncertain significance (2). Last evaluated 2026-08-03.

Conditions:
PLXNA4-related disorder. Also called: PLXNA4-related condition.

Allele frequency attached by ClinVar (database versions not stated): TOPMed 0.00004; ExAC 0.00007; gnomAD 0.00007; ESP Exome Variant Server 0.00008; gnomAD exomes 0.00012.
gnomAD v4.1: 176 of 1,614,040 alleles (0.011%); highest among the groups gnomAD compares: Middle Eastern, 0.033%; no homozygotes.

Submissions (2):

PreventionGenetics, part of Exact Sciences
Classification: Uncertain significance for PLXNA4-related condition. Last evaluated: 2026-08-03. Review status: criteria provided, single submitter. Criteria: ACMG Guidelines, 2015. Collection method: clinical testing. Allele origin: germline.
Comment: The PLXNA4 c.1742C>T variant is predicted to result in the amino acid substitution p.Thr581Met. To our knowledge, this variant has not been reported in the literature. This variant is reported in 0.0083% of alleles in individuals of African descent in gnomAD. At this time, the clinical significance of this variant is uncertain due to the absence of conclusive functional and genetic evidence.

Ambry Genetics
Classification: Uncertain significance. Last evaluated: 2024-10-03. Review status: criteria provided, single submitter. Criteria: Ambry Variant Classification Scheme 2023. Collection method: clinical testing. Allele origin: germline.